The following is an entry in ClinVar:

NM_000516.7(GNAS):c.-3G>A

Gene: GNAS (GNAS complex locus; plus strand). Cytogenetic location: 20q13.32.
Variant type: single nucleotide variant.
Coding change: c.-3G>A on transcript NM_000516.7 (MANE Select); 3 bases upstream of the start codon, G replaced by A.
Molecular consequence: 5 prime UTR variant. On other transcripts: intron variant (8).
Genome position (GRCh38, 1-based): chr20:58,891,724, G>A. VCF-style: chr20-58891724-G-A. GRCh37 (hg19) VCF-style: chr20-57466779-G-A.
Other names: c.-3G>A (NM_001077488.5, NM_001077489.4, NM_001309842.2 and 1 more transcripts); c.*43-3888G>A (NM_016592.5); c.44-3888G>A (NM_001410912.1); c.-38-3888G>A (NM_001309861.2); c.*1-3888G>A (NM_001077490.3); c.2069-3888G>A (NM_080425.4, NM_001410913.1); c.*159-3888G>A (NM_001309883.1); c.-39+2371G>A (NM_001309840.2).
Identifiers: ClinVar variation 3043151 (VCV003043151.2), dbSNP rs1382419815, ClinGen allele CA2528599425.

ClinVar aggregate classification (germline): Likely benign (0 of 4 stars; one submission).

Conditions:
GNAS-related disorder. Identifiers: MedGen CN380105.

Allele frequency attached by ClinVar (database versions not stated): gnomAD exomes 0.00001.

Submission:

PreventionGenetics, part of Exact Sciences
Classification: Likely benign for GNAS-related condition. Last evaluated: 2021-03-24. Review status: no assertion criteria provided. Collection method: clinical testing. Allele origin: germline.
Comment: This variant is classified as likely benign based on ACMG/AMP sequence variant interpretation guidelines (Richards et al. 2015 PMID: 25741868, with internal and published modifications).